The following is an entry in ClinVar:

ClinVar aggregate classification (germline): Conflicting classifications of pathogenicity. Review status: criteria provided, conflicting classifications (1 of 4 stars). 2 submissions from 2 submitters: Likely pathogenic (1); Uncertain significance (1). Last evaluated 2024-01-03.

Conditions:
Seckel syndrome 5 (SCKL5). Identifiers: Orphanet 808, MedGen C3151187, MONDO:0013443, OMIM 613823.
Microcephaly 9, primary, autosomal recessive. Identifiers: Orphanet 2512, MedGen C3553886, MONDO:0013923, OMIM 614852.

Allele frequency attached by ClinVar (database versions not stated): gnomAD exomes below 0.00001 and 0.00001; ExAC 0.00002; TOPMed 0.00004; gnomAD 0.00005; ESP Exome Variant Server 0.00008.
gnomAD v4.1: 9 of 1,614,008 alleles (0.00056%); highest among the groups gnomAD compares: African/African-American, 0.012%; no homozygotes.

Submissions (2):

Fulgent Genetics
Classification: Likely pathogenic for Seckel syndrome 5; Microcephaly 9, primary, autosomal recessive. Last evaluated: 2024-01-03. Review status: criteria provided, single submitter. Criteria: ACMG Guidelines, 2015. Collection method: clinical testing. Allele origin: germline.

GeneDx
Classification: Uncertain significance. Last evaluated: 2021-04-14. Review status: criteria provided, single submitter. Criteria: GeneDx Variant Classification Process June 2021. Collection method: clinical testing. Allele origin: germline. Affected: yes.
Comment: Nonsense variant predicted to result in protein truncation as the last 267 amino acids are lost, although loss-of-function variants have not been reported downstream of this position in the protein; Has not been previously published as pathogenic or benign to our knowledge

NM_001194998.2(CEP152):c.4330C>T (p.Gln1444Ter)

Gene: CEP152 (centrosomal protein 152; minus strand). Cytogenetic location: 15q21.1.
Variant type: single nucleotide variant.
Coding change: c.4330C>T on transcript NM_001194998.2 (MANE Select); coding-DNA position 4330, C replaced by T.
Protein change: p.Gln1444Ter; replaces glutamine 1444 with a stop codon.
Molecular consequence: nonsense.
Genome position (GRCh38, 1-based): chr15:48,739,052, G>A on the plus strand (C>T on the coding strand, the complement: CEP152 is on the minus strand). VCF-style: chr15-48739052-G-A. GRCh37 (hg19) VCF-style: chr15-49031249-G-A.
Other names: c.4162C>T, p.Gln1388Ter (NM_014985.4); short protein forms Q1388*, Q1444*.
Identifiers: ClinVar variation 1327252 (VCV001327252.3), dbSNP rs373725563, ClinGen allele CA7548117.